The following is an entry in ClinVar:

NM_001377295.2(GNAT2):c.937C>T (p.Arg313Ter)

Gene: GNAT2 (G protein subunit alpha transducin 2; minus strand). Cytogenetic location: 1p13.3.
Variant type: single nucleotide variant.
Coding change: c.937C>T on transcript NM_001377295.2 (MANE Select); coding-DNA position 937, C replaced by T.
Protein change: p.Arg313Ter; replaces arginine 313 with a stop codon.
Molecular consequence: nonsense.
Genome position (GRCh38, 1-based): chr1:109,603,482, G>A on the plus strand (C>T on the coding strand, the complement: GNAT2 is on the minus strand). VCF-style: chr1-109603482-G-A. GRCh37 (hg19) VCF-style: chr1-110146104-G-A.
Other names: c.937C>T, p.Arg313Ter (NM_001379232.1, NM_005272.5); c.937C>T (NM_005272.4); short protein forms R313*.
Identifiers: ClinVar variation 623285 (VCV000623285.11), dbSNP rs748981899, ClinGen allele CA992265.

ClinVar aggregate classification (germline): Pathogenic. Review status: criteria provided, multiple submitters, no conflicts (2 of 4 stars). 7 submissions from 7 submitters: Pathogenic (6). 1 of the submissions does not count toward it. Last evaluated 2025-03-12.

Conditions:
GNAT2-related disorder. Also called: GNAT2-related condition.
Achromatopsia 4 (ACHM4). Identifiers: Orphanet 49382, MedGen C1841721, MONDO:0013465, OMIM 613856.

Allele frequency attached by ClinVar (database versions not stated): ExAC 0.00001; gnomAD exomes 0.00001; TOPMed 0.00001.
gnomAD v4.1: 20 of 1,606,680 alleles (0.0012%); highest among the groups gnomAD compares: South Asian, 0.0055%; no homozygotes.

Submissions (7):

Revvity Omics, Revvity
Classification: Pathogenic for Achromatopsia 4. Last evaluated: 2025-03-12. Review status: criteria provided, single submitter. Criteria: ACMG Guidelines, 2015. Collection method: clinical testing. Allele origin: germline.

First Genomix Gene Laboratory, Genetic Diagnostics Department
Classification: Pathogenic for Achromatopsia 4. Last evaluated: 2025-01-27. Review status: criteria provided, single submitter. Criteria: ACMG Guidelines, 2015. Collection method: clinical testing. Allele origin: germline. Inheritance: Autosomal recessive inheritance. Affected: no. Observed: 1 variant allele.

PreventionGenetics, part of Exact Sciences
Classification: Pathogenic for GNAT2-related condition. Last evaluated: 2024-10-14. Review status: criteria provided, single submitter. Criteria: ACMG Guidelines, 2015. Collection method: clinical testing. Allele origin: germline.
Comment: The GNAT2 c.937C>T variant is predicted to result in premature protein termination (p.Arg313*). This variant has been reported to segregate with affected status in a large family with achromatopsia (Ouechtati et al. 2011. PubMed ID: 21107338). This variant is reported in 0.0054% of alleles in individuals of East Asian descent in gnomAD. Nonsense variants in GNAT2 are expected to be pathogenic. This variant is interpreted as pathogenic.

Labcorp Genetics (formerly Invitae), Labcorp
Classification: Pathogenic. Last evaluated: 2023-11-08. Review status: criteria provided, single submitter. Criteria: Invitae Variant Classification Sherloc (09022015). Collection method: clinical testing. Allele origin: germline.
Comment: This sequence change creates a premature translational stop signal (p.Arg313*) in the GNAT2 gene. While this is not anticipated to result in nonsense mediated decay, it is expected to disrupt the last 42 amino acid(s) of the GNAT2 protein. This variant is present in population databases (rs748981899, gnomAD 0.006%). This premature translational stop signal has been observed in individual(s) with achromatopsia (PMID: 21107338). It has also been observed to segregate with disease in related individuals. ClinVar contains an entry for this variant (Variation ID: 623285). Algorithms developed to predict the effect of sequence changes on RNA splicing suggest that this variant may disrupt the consensus splice site. For these reasons, this variant has been classified as Pathogenic.

Victorian Clinical Genetics Services, Murdoch Childrens Research Institute
Classification: Pathogenic for Achromatopsia 4. Last evaluated: 2022-06-24. Review status: criteria provided, single submitter. Criteria: ACMG Guidelines, 2015. Collection method: clinical testing. Allele origin: germline. Inheritance: Autosomal recessive inheritance. Affected: no.
Comment: Based on the classification scheme VCGS_Germline_v1.3.4, this variant is classified as Pathogenic. Following criteria are met: 0102 - Loss of function is a known mechanism of disease in this gene and is associated with achromatopsia 4 (MIM#613856). (I) 0106 - This gene is associated with autosomal recessive disease. (I) 0205 - Variant is predicted to result in a truncated protein (premature termination codon is NOT located at least 54 nucleotides upstream of the final exon-exon junction) with less than 1/3 of the protein sequence affected. (SP) 0251 - This variant is heterozygous. (I) 0304 - Variant is present in gnomAD (v2) <0.01 for a recessive condition (3 heterozygotes, 0 homozygotes). (SP) 0601 - Variant results in the loss of the well-established functional GTP binding domain, conserved motif and GTP, Mg2+ and receptor-binding residues (NCBI domains, PMID: 31058429, PMID: 18643908). (I) 0704 - Other protein truncation variants comparable to the one identified in this case has limited previous evidence for pathogenicity. One variant, p.(Ile319fs*5), has been reported as pathogenic and observed in compound heterozygous siblings with achromatopsia (PMID: 31058429, ClinVar). p.(Tyr320*) has been reported as pathogenic (LOVD). (SP) 0802 - This variant has moderate previous evidence of pathogenicity in unrelated individuals. This variant has been reported as likely pathogenic and observed in two unrelated homozygous individuals with congenital achromatopsia or cone dystrophy, and a compound heterozygous individual with achromatopsia (ClinVar, PMID: 21107338, PMID: 27208204, PMID: 31058429). (SP) 0906 - Segregation evidence for this variant is inconclusive. Segregation testing demonstrated that all affected individuals in a large family shared the same homozygous haplotype, whereas unaffected relatives did not. These findings were considered inconclusive (PMID: 21107338). (I) 1007 - No published functional evidence has been identified for this variant. (I) 1208 - Inheritance information for this variant is not currently available in this individual. (I) Legend: (SP) - Supporting pathogenic, (I) - Information, (SB) - Supporting benign

Blueprint Genetics
Classification: Pathogenic for GNAT2-related disorders. Last evaluated: 2021-07-19. Review status: criteria provided, single submitter. Criteria: ACMG Guidelines, 2015. Collection method: clinical testing. Allele origin: germline. Affected: yes. Observed: 4 variant alleles.

Molecular Genetics Laboratory, Institute for Ophthalmic Research
Classification: Likely pathogenic for Achromatopsia 4. Last evaluated: 2018-06-12. Review status: no assertion criteria provided. Collection method: research. Allele origin: germline. Affected: yes. Not counted in ClinVar's aggregate classification.

Literature cited by the submitters: PubMed 21107338 (cited by 3 submitters); PubMed 18643908 (cited by Victorian Clinical Genetics Services, Murdoch Childrens Research Institute); PubMed 27208204 (cited by Victorian Clinical Genetics Services, Murdoch Childrens Research Institute); PubMed 31058429 (cited by Victorian Clinical Genetics Services, Murdoch Childrens Research Institute).